The following is an entry in ClinVar:

ClinVar aggregate classification (germline): Likely benign. Review status: criteria provided, multiple submitters, no conflicts (2 of 4 stars). 6 submissions from 6 submitters: Likely benign (4). 2 of the submissions do not count toward it. Last evaluated 2026-01-19.

Conditions:
AMT-related disorder. Also called: AMT-related condition.
Glycine encephalopathy. Also called: Non-ketotic hyperglycinemia; Nonketotic hyperglycinemia. Identifiers: Orphanet 407, MedGen C0751748, MONDO:0011612, HP:0008288.

Allele frequency attached by ClinVar (database versions not stated): TOPMed 0.00013; gnomAD 0.00015 and 0.00017; gnomAD exomes 0.00017 and 0.00025; ExAC 0.00026; ESP Exome Variant Server 0.00031.
gnomAD v4.1: 385 of 1,614,028 alleles (0.024%); highest among the groups gnomAD compares: Middle Eastern, 0.049%; 1 homozygote.

Submissions (6):

Labcorp Genetics (formerly Invitae), Labcorp
Classification: Likely benign for Glycine encephalopathy. Last evaluated: 2026-01-19. Review status: criteria provided, single submitter. Criteria: Invitae Variant Classification Sherloc (09022015). Collection method: clinical testing. Allele origin: germline.

CeGaT Center for Human Genetics Tuebingen
Classification: Likely benign. Last evaluated: 2025-01-01. Review status: criteria provided, single submitter. Criteria: CeGaT Center For Human Genetics Tuebingen Variant Classification Criteria Version 2. Collection method: clinical testing. Allele origin: germline. Affected: yes. Observed: 2 variant alleles.
Comment: AMT: BP4, BP7

Blueprint Genetics
Classification: Likely benign. Last evaluated: 2024-11-22. Review status: criteria provided, single submitter. Criteria: ACMG Guidelines, 2015. Collection method: clinical testing. Allele origin: germline.

Breakthrough Genomics
Classification: Likely benign. Review status: criteria provided, single submitter. Criteria: ACMG Guidelines, 2015. Collection method: not provided. Allele origin: germline. Inheritance: Autosomal recessive inheritance. Affected: yes.

PreventionGenetics, part of Exact Sciences
Classification: Likely benign for AMT-related condition. Last evaluated: 2023-11-07. Review status: no assertion criteria provided. Collection method: clinical testing. Allele origin: germline. Not counted in ClinVar's aggregate classification.
Comment: This variant is classified as likely benign based on ACMG/AMP sequence variant interpretation guidelines (Richards et al. 2015 PMID: 25741868, with internal and published modifications).

Natera, Inc.
Classification: Uncertain significance for Non-ketotic hyperglycinemia. Last evaluated: 2020-01-24. Review status: no assertion criteria provided. Collection method: clinical testing. Allele origin: germline. Not counted in ClinVar's aggregate classification.

NM_000481.4(AMT):c.363C>T (p.Asn121=)

Gene: AMT (aminomethyltransferase; minus strand). Cytogenetic location: 3p21.31.
Variant type: single nucleotide variant.
Coding change: c.363C>T on transcript NM_000481.4 (MANE Select); coding-DNA position 363, C replaced by T.
Protein change: p.Asn121=; no amino-acid change (asparagine 121 retained).
Molecular consequence: synonymous variant. On other transcripts: non-coding transcript variant (1), intron variant (1).
Genome position (GRCh38, 1-based): chr3:49,420,319, G>A on the plus strand (C>T on the coding strand, the complement: AMT is on the minus strand). VCF-style: chr3-49420319-G-A. GRCh37 (hg19) VCF-style: chr3-49457752-G-A.
Other names: c.195C>T, p.Asn65= (NM_001164711.2); c.363C>T, p.Asn121= (NM_001164712.2); c.340-531C>T (NM_001164710.2).
Identifiers: ClinVar variation 703345 (VCV000703345.32), dbSNP rs367604855, ClinGen allele CA2398384.
Genomic context (GRCh38, chr3:49,420,319, plus strand): 5'-ATACAGGTGGCCCTCAGAAGTATTGGTTACAATCAAGTCATCTAAGATGCCTCCAGCCTC[G>A]TTGGTAAACAGCGACAGTGTCCCCTAGGACCAAAGTGGAGCGTTTTGGCTTCCAGGTCCA-3'
Protein context (NP_000472.2, residues 111-131): PNQGTLSLFT[Asn121=]EAGGILDDLI